The following is an entry in ClinVar:

NM_018139.3(DNAAF2):c.1406G>A (p.Cys469Tyr)

Gene: DNAAF2 (dynein axonemal assembly factor 2; minus strand). Cytogenetic location: 14q21.3.
Variant type: single nucleotide variant.
Coding change: c.1406G>A on transcript NM_018139.3 (MANE Select); coding-DNA position 1406, G replaced by A.
Protein change: p.Cys469Tyr; replaces cysteine 469 with tyrosine.
Molecular consequence: missense variant. On other transcripts: 5 prime UTR variant (1).
Genome position (GRCh38, 1-based): chr14:49,633,744, C>T on the plus strand (G>A on the coding strand, the complement: DNAAF2 is on the minus strand). VCF-style: chr14-49633744-C-T. GRCh37 (hg19) VCF-style: chr14-50100462-C-T.
Other names: p.Cys469Tyr; c.1406G>A, p.Cys469Tyr (NM_001083908.2); c.-466G>A (NM_001378453.1); short protein forms C469Y.
Identifiers: ClinVar variation 219711 (VCV000219711.23), dbSNP rs150737854, ClinGen allele CA348326.
Genomic context (GRCh38, chr14:49,633,744, plus strand): 5'-TCTCCGCGCGCACTCTCTCTTCCCGCAGAAGAACCCCACGCCAGGCTCCGGGAGGACAAA[C>T]AAGGGGAGCCTCCGCCACCAGGTGAGTTTTCTCCTCCAGGAGATGGCTCCTCCACGCTGC-3'
Protein context (NP_060609.2, residues 459-479): ENSPGGGGSP[Cys469Tyr]LSSRSLAWGS

ClinVar aggregate classification (germline): Benign/Likely benign. Review status: criteria provided, multiple submitters, no conflicts (2 of 4 stars). 9 submissions from 9 submitters: Benign (5); Likely benign (4). Last evaluated 2026-02-04.

Conditions:
Primary ciliary dyskinesia 10. Also called: CILIARY DYSKINESIA, PRIMARY, 10, WITH OR WITHOUT SITUS INVERSUS. Identifiers: Orphanet 244, MedGen C2675867, MONDO:0012918, OMIM 612518.
Primary ciliary dyskinesia. Also called: Ciliary dyskinesia. Identifiers: Orphanet 244, MedGen C0008780, MONDO:0016575, HP:0012265.

Allele frequency attached by ClinVar (database versions not stated): TOPMed 0.00379; gnomAD 0.00410 and 0.00495; ESP Exome Variant Server 0.00478; gnomAD exomes 0.00628 and 0.00773; 1000 Genomes Project 0.00719; 1000 Genomes Project 30x 0.00734; ExAC 0.00904.
gnomAD v4.1: 9,812 of 1,593,408 alleles (0.62%); highest among the groups gnomAD compares: South Asian, 2.6%; 94 homozygotes.

Submissions (9):

Labcorp Genetics (formerly Invitae), Labcorp
Classification: Benign for Primary ciliary dyskinesia. Last evaluated: 2026-02-04. Review status: criteria provided, single submitter. Criteria: Invitae Variant Classification Sherloc (09022015). Collection method: clinical testing. Allele origin: germline.

ARUP Laboratories, Molecular Genetics and Genomics, ARUP Laboratories
Classification: Benign for Primary ciliary dyskinesia 10. Last evaluated: 2025-06-12. Review status: criteria provided, single submitter. Criteria: ARUP Molecular Germline Variant Investigation Process 2024. Collection method: clinical testing. Allele origin: germline.

Blueprint Genetics
Classification: Likely benign. Last evaluated: 2024-11-25. Review status: criteria provided, single submitter. Criteria: ACMG Guidelines, 2015. Collection method: clinical testing. Allele origin: germline.

Mayo Clinic Laboratories, Mayo Clinic
Classification: Benign. Last evaluated: 2023-03-16. Review status: criteria provided, single submitter. Criteria: ACMG Guidelines, 2015. Collection method: clinical testing. Allele origin: germline. Observed: 3 variant alleles.
Comment: BS1, BP4_strong

Illumina Laboratory Services, Illumina
Classification: Likely benign for Primary ciliary dyskinesia 10. Last evaluated: 2018-01-13. Review status: criteria provided, single submitter. Criteria: ICSL Variant Classification Criteria 13 December 2019. Collection method: clinical testing. Allele origin: germline.
Comment: This variant was observed in the ICSL laboratory as part of a predisposition screen in an ostensibly healthy population. It had not been previously curated by ICSL or reported in the Human Gene Mutation Database (HGMD: prior to June 1st, 2018), and was therefore a candidate for classification through an automated scoring system. Utilizing variant allele frequency, disease prevalence and penetrance estimates, and inheritance mode, an automated score was calculated to assess if this variant is too frequent to cause the disease. Based on the score and internal cut-off values, a variant classified as likely benign is not then subjected to further curation. The score for this variant resulted in a classification of likely benign for this disease.

Ambry Genetics
Classification: Benign for Primary ciliary dyskinesia. Last evaluated: 2015-06-09. Review status: criteria provided, single submitter. Criteria: Ambry Variant Classification Scheme 2023. Collection method: clinical testing. Allele origin: germline.

GeneDx
Classification: Likely benign. Last evaluated: 2015-04-13. Review status: criteria provided, single submitter. Criteria: GeneDx Variant Classification (06012015). Collection method: clinical testing. Allele origin: germline. Affected: yes.
Comment: This variant is considered likely benign or benign based on one or more of the following criteria: it is a conservative change, it occurs at a poorly conserved position in the protein, it is predicted to be benign by multiple in silico algorithms, and/or has population frequency not consistent with disease.

Breakthrough Genomics
Classification: Likely benign. Review status: criteria provided, single submitter. Criteria: ACMG Guidelines, 2015. Collection method: not provided. Allele origin: germline. Inheritance: Autosomal recessive inheritance. Affected: yes.

PreventionGenetics, part of Exact Sciences
Classification: Benign. Review status: criteria provided, single submitter. Criteria: ACMG Guidelines, 2015. Collection method: clinical testing. Allele origin: germline.